The following is an entry in ClinVar:

NM_032816.5(CEP89):c.872C>T (p.Ala291Val)

Gene: CEP89 (centrosomal protein 89; minus strand). Cytogenetic location: 19q13.11.
Variant type: single nucleotide variant.
Coding change: c.872C>T on transcript NM_032816.5 (MANE Select); coding-DNA position 872, C replaced by T.
Protein change: p.Ala291Val; replaces alanine 291 with valine.
Molecular consequence: missense variant.
Genome position (GRCh38, 1-based): chr19:32,933,465, G>A on the plus strand (C>T on the coding strand, the complement: CEP89 is on the minus strand). VCF-style: chr19-32933465-G-A. GRCh37 (hg19) VCF-style: chr19-33424371-G-A.
Other names: c.872C>T (NM_032816.3); short protein forms A291V.
Identifiers: ClinVar variation 1410651 (VCV001410651.7), dbSNP rs145838212, ClinGen allele CA9359500.
Genomic context (GRCh38, chr19:32,933,465, plus strand): 5'-GAAGTCCTGCTCATTCCTCTAATAAAGGCACTCTGTCTGTCCCCACCTTCCTGTGACGAC[G>A]CCTTCTCAGCCTCTTTGAGCTTTCTCTTCTCTTTTTCCATTCCCTTAAGTTTTAACTGTA-3'
Protein context (NP_116205.3, residues 281-301): EKRKLKEAEK[Ala291Val]SSQEVAAPEL

ClinVar aggregate classification (germline): Uncertain significance. Review status: criteria provided, multiple submitters, no conflicts (2 of 4 stars). 2 submissions from 2 submitters: Uncertain significance (2). Last evaluated 2023-12-15.

Allele frequency attached by ClinVar (database versions not stated): gnomAD exomes 0.00003 and 0.00013; gnomAD 0.00007 and 0.00009; TOPMed 0.00008; ExAC 0.00011; 1000 Genomes Project 0.00020; 1000 Genomes Project 30x 0.00031.
gnomAD v4.1: 59 of 1,613,434 alleles (0.0037%); highest among the groups gnomAD compares: East Asian, 0.069%; no homozygotes.

Submissions (2):

Ambry Genetics
Classification: Uncertain significance. Last evaluated: 2023-12-15. Review status: criteria provided, single submitter. Criteria: Ambry Variant Classification Scheme 2023. Collection method: clinical testing. Allele origin: germline.

Labcorp Genetics (formerly Invitae), Labcorp
Classification: Uncertain significance. Last evaluated: 2022-03-09. Review status: criteria provided, single submitter. Criteria: Invitae Variant Classification Sherloc (09022015). Collection method: clinical testing. Allele origin: germline.
Comment: Algorithms developed to predict the effect of missense changes on protein structure and function (SIFT, PolyPhen-2, Align-GVGD) all suggest that this variant is likely to be tolerated. In summary, the available evidence is currently insufficient to determine the role of this variant in disease. Therefore, it has been classified as a Variant of Uncertain Significance. Algorithms developed to predict the effect of sequence changes on RNA splicing suggest that this variant may create or strengthen a splice site. This variant has not been reported in the literature in individuals affected with CEP89-related conditions. This variant is present in population databases (rs145838212, gnomAD 0.1%), and has an allele count higher than expected for a pathogenic variant. This sequence change replaces alanine, which is neutral and non-polar, with valine, which is neutral and non-polar, at codon 291 of the CEP89 protein (p.Ala291Val).